The following is an entry in ClinVar:

ClinVar aggregate classification (germline): Uncertain significance (1 of 4 stars; one submission).

Submission:

Labcorp Genetics (formerly Invitae), Labcorp
Classification: Uncertain significance. Last evaluated: 2021-08-23. Review status: criteria provided, single submitter. Criteria: Invitae Variant Classification Sherloc (09022015). Collection method: clinical testing. Allele origin: germline.
Comment: This sequence change replaces proline with histidine at codon 695 of the ZNF469 protein (p.Pro695His). The proline residue is weakly conserved and there is a moderate physicochemical difference between proline and histidine. In summary, the available evidence is currently insufficient to determine the role of this variant in disease. Therefore, it has been classified as a Variant of Uncertain Significance. Algorithms developed to predict the effect of missense changes on protein structure and function output the following: SIFT: "Deleterious"; PolyPhen-2: "Probably Damaging"; Align-GVGD: "Class C0". The histidine amino acid residue is found in multiple mammalian species, which suggests that this missense change does not adversely affect protein function. This variant has not been reported in the literature in individuals affected with ZNF469-related conditions. The frequency data for this variant in the population databases is considered unreliable, as metrics indicate insufficient coverage at this position in the ExAC database.

NM_001367624.2(ZNF469):c.2084C>A (p.Pro695His)

Gene: ZNF469 (zinc finger protein 469; plus strand). Cytogenetic location: 16q24.2.
Variant type: single nucleotide variant.
Coding change: c.2084C>A on transcript NM_001367624.2 (MANE Select); coding-DNA position 2084, C replaced by A.
Protein change: p.Pro695His; replaces proline 695 with histidine.
Molecular consequence: missense variant.
Genome position (GRCh38, 1-based): chr16:88,429,554, C>A. VCF-style: chr16-88429554-C-A. GRCh37 (hg19) VCF-style: chr16-88495962-C-A.
Other names: short protein forms P695H.
Identifiers: ClinVar variation 1377296 (VCV001377296.6), dbSNP rs2142300968, ClinGen allele CA397069746.